The following is an entry in ClinVar:

NM_025074.7(FRAS1):c.3563+1G>A

Gene: FRAS1 (Fraser extracellular matrix complex subunit 1; plus strand). Cytogenetic location: 4q21.21.
Variant type: single nucleotide variant.
Coding change: c.3563+1G>A on transcript NM_025074.7 (MANE Select); the canonical splice donor site of the intron after coding-DNA position 3563, G replaced by A.
Molecular consequence: splice donor variant.
Genome position (GRCh38, 1-based): chr4:78,379,997, G>A. VCF-style: chr4-78379997-G-A. GRCh37 (hg19) VCF-style: chr4-79301151-G-A.
Other names: c.3563+1G>A (NM_001166133.2).
Identifiers: ClinVar variation 2982241 (VCV002982241.6), dbSNP rs773677827, ClinGen allele CA2976943.

ClinVar aggregate classification (germline): Pathogenic. Review status: criteria provided, multiple submitters, no conflicts (2 of 4 stars). 3 submissions from 3 submitters: Pathogenic (3). Last evaluated 2025-07-13.

Conditions:
Fraser syndrome 1 (FRASRS1). Also called: CRYPTOPHTHALMOS WITH OTHER MALFORMATIONS. Identifiers: Orphanet 2052, MedGen C4551480, MONDO:0054737, OMIM 219000.

Allele frequency attached by ClinVar (database versions not stated): gnomAD exomes 0.00001; TOPMed 0.00001; ExAC 0.00002.
gnomAD v4.1: 4 of 1,611,908 alleles (0.00025%); highest among the groups gnomAD compares: East Asian, 0.0089%; no homozygotes.

Submissions (3):

Labcorp Genetics (formerly Invitae), Labcorp
Classification: Pathogenic. Last evaluated: 2025-07-13. Review status: criteria provided, single submitter. Criteria: Invitae Variant Classification Sherloc (09022015). Collection method: clinical testing. Allele origin: germline.
Comment: This sequence change affects a donor splice site in intron 27 of the FRAS1 gene. It is expected to disrupt RNA splicing. Variants that disrupt the donor or acceptor splice site typically lead to a loss of protein function (PMID: 16199547), and loss-of-function variants in FRAS1 are known to be pathogenic (PMID: 12766769, 18671281). This variant is present in population databases (rs773677827, gnomAD 0.03%). Disruption of this splice site has been observed in individual(s) with clinical features of FRAS1-related conditions and/or Fraser syndrome (PMID: 32436246, 35595450). It has also been observed to segregate with disease in related individuals. ClinVar contains an entry for this variant (Variation ID: 2982241). Algorithms developed to predict the effect of sequence changes on RNA splicing suggest that this variant may disrupt the consensus splice site. For these reasons, this variant has been classified as Pathogenic.

Fulgent Genetics
Classification: Pathogenic for Fraser syndrome 1. Last evaluated: 2024-05-25. Review status: criteria provided, single submitter. Criteria: ACMG Guidelines, 2015. Collection method: clinical testing. Allele origin: germline.

Juno Genomics, Hangzhou Juno Genomics, Inc
Classification: Pathogenic for Fraser syndrome 1. Review status: criteria provided, single submitter. Criteria: ACMG Guidelines, 2015. Collection method: clinical testing. Allele origin: germline.
Comment: Absent from controls (or at extremely low frequency if recessive) in Genome Aggregation Database.;Null variant in a gene where loss of function (LOF) is a known mechanism of disease.;Co-segregation with disease in multiple affected family members.;Patient's phenotype or family history is highly specific for a disease with a single genetic etiology.

Literature cited by the submitters: PubMed 16199547 (cited by Labcorp Genetics (formerly Invitae), Labcorp); PubMed 12766769 (cited by Labcorp Genetics (formerly Invitae), Labcorp); PubMed 18671281 (cited by Labcorp Genetics (formerly Invitae), Labcorp); PubMed 32436246 (cited by Labcorp Genetics (formerly Invitae), Labcorp); PubMed 35595450 (cited by Labcorp Genetics (formerly Invitae), Labcorp).